The following is an entry in ClinVar:

NM_021096.4(CACNA1I):c.3679G>A (p.Gly1227Ser)

Gene: CACNA1I (calcium voltage-gated channel subunit alpha1 I; plus strand). Cytogenetic location: 22q13.1.
Variant type: single nucleotide variant.
Coding change: c.3679G>A on transcript NM_021096.4 (MANE Select); coding-DNA position 3679, G replaced by A.
Protein change: p.Gly1227Ser; replaces glycine 1227 with serine.
Molecular consequence: missense variant.
Genome position (GRCh38, 1-based): chr22:39,664,751, G>A. VCF-style: chr22-39664751-G-A. GRCh37 (hg19) VCF-style: chr22-40060756-G-A.
Other names: c.3574G>A, p.Gly1192Ser (NM_001003406.2); short protein forms G1192S, G1227S.
Identifiers: ClinVar variation 4868087 (VCV004868087.1).

ClinVar aggregate classification (germline): Uncertain significance (1 of 4 stars; one submission).

gnomAD v4.1: 5 of 1,604,224 alleles (0.00031%); highest among the groups gnomAD compares: Non-Finnish European, 0.00042%; no homozygotes.

Submission:

Ambry Genetics
Classification: Uncertain significance. Last evaluated: 2026-03-23. Review status: criteria provided, single submitter. Criteria: Ambry Variant Classification Scheme 2023. Collection method: clinical testing. Allele origin: germline.
Comment: The c.3679G>A (p.G1227S) alteration is located in exon 21 (coding exon 21) of the CACNA1I gene. This alteration results from a G to A substitution at nucleotide position 3679, causing the glycine (G) at amino acid position 1227 to be replaced by a serine (S). Based on data from gnomAD, the A allele has an overall frequency of <0.001% (1/236964) total alleles studied. The highest observed frequency was 0.001% (1/106986) of European (non-Finnish) alleles. Based on insufficient or conflicting evidence, the clinical significance of this alteration remains unclear.